The following is an entry in ClinVar:

NM_014714.4(IFT140):c.1015C>T (p.Leu339=)

Genes: IFT140 (intraflagellar transport 140; minus strand), LOC105371046 (uncharacterized LOC105371046; plus strand). Cytogenetic location: 16p13.3.
Variant type: single nucleotide variant.
Coding change: c.1015C>T on transcript NM_014714.4 (MANE Select); coding-DNA position 1015, C replaced by T.
Protein change: p.Leu339=; no amino-acid change (leucine 339 retained).
Molecular consequence: synonymous variant.
Genome position (GRCh38, 1-based): chr16:1,586,270, G>A on the plus strand (C>T on the coding strand, the complement: IFT140 is on the minus strand). VCF-style: chr16-1586270-G-A. GRCh37 (hg19) VCF-style: chr16-1636271-G-A.
Identifiers: ClinVar variation 3055386 (VCV003055386.2), dbSNP rs1278173960, ClinGen allele CA492928031.

ClinVar aggregate classification (germline): Likely benign (0 of 4 stars; one submission).

Conditions:
IFT140-related disorder. Also called: IFT140-related condition.

Submission:

PreventionGenetics, part of Exact Sciences
Classification: Likely benign for IFT140-related condition. Last evaluated: 2023-05-08. Review status: no assertion criteria provided. Collection method: clinical testing. Allele origin: germline.
Comment: This variant is classified as likely benign based on ACMG/AMP sequence variant interpretation guidelines (Richards et al. 2015 PMID: 25741868, with internal and published modifications).